The following is an entry in ClinVar:

NM_001958.5(EEF1A2):c.350C>T (p.Ala117Val)

Gene: EEF1A2 (eukaryotic translation elongation factor 1 alpha 2; minus strand). Cytogenetic location: 20q13.33.
Variant type: single nucleotide variant.
Coding change: c.350C>T on transcript NM_001958.5 (MANE Select); coding-DNA position 350, C replaced by T.
Protein change: p.Ala117Val; replaces alanine 117 with valine.
Molecular consequence: missense variant.
Genome position (GRCh38, 1-based): chr20:63,495,076, G>A on the plus strand (C>T on the coding strand, the complement: EEF1A2 is on the minus strand). VCF-style: chr20-63495076-G-A. GRCh37 (hg19) VCF-style: chr20-62126429-G-A.
Other names: c.350C>T (NM_001958.3); short protein forms A117V.
Identifiers: ClinVar variation 589865 (VCV000589865.46), dbSNP rs866429985, ClinGen allele CA317441860.

ClinVar aggregate classification (germline): Uncertain significance. Review status: criteria provided, multiple submitters, no conflicts (2 of 4 stars). 2 submissions from 2 submitters: Uncertain significance (2). Last evaluated 2026-07-09.

Conditions:
Inborn genetic diseases. Identifiers: MedGen C0950123, MeSH D030342.

Allele frequency attached by ClinVar (database versions not stated): gnomAD exomes 0.00001.
gnomAD v4.1: 3 of 1,611,320 alleles (0.00019%); highest among the groups gnomAD compares: Non-Finnish European, 0.000085%; no homozygotes.

Submissions (2):

GeneDx
Classification: Uncertain significance. Last evaluated: 2026-07-09. Review status: criteria provided, single submitter. Criteria: GeneDx Variant Classification Process June 2021. Collection method: clinical testing. Allele origin: germline.
Comment: Not observed at significant frequency in large population cohorts (gnomAD); In silico analysis supports that this missense variant has a deleterious effect on protein structure/function; Has not been previously published as pathogenic or benign to our knowledge

Ambry Genetics
Classification: Uncertain significance for Inborn genetic diseases. Last evaluated: 2016-06-27. Review status: criteria provided, single submitter. Criteria: Ambry Variant Classification Scheme 2023. Collection method: clinical testing. Allele origin: germline.
Comment: The p.A117V variant (also known as c.350C>T), located in coding exon 3 of the EEF1A2 gene, results from a C to T substitution at nucleotide position 350. The alanine at codon 117 is replaced by valine, an amino acid with similar properties. This variant was not reported in population based cohorts in the following databases: Database of Single Nucleotide Polymorphisms (dbSNP), NHLBI Exome Sequencing Project (ESP), and 1000 Genomes Project. In the ESP, this variant was not observed in 6474 samples (12948 alleles) with coverage at this position. This amino acid position is highly conserved in available vertebrate species. In addition, this alteration is predicted to be deleterious by in silico analysis. Since supporting evidence is limited at this time, the clinical significance of this alteration remains unclear.